The following is an entry in ClinVar:

NM_000642.3(AGL):c.4482-18G>A

Gene: AGL (amylo-alpha-1,6-glucosidase and 4-alpha-glucanotransferase; plus strand). Cytogenetic location: 1p21.2.
Variant type: single nucleotide variant.
Coding change: c.4482-18G>A on transcript NM_000642.3 (MANE Select); 18 bases into the intron before coding-DNA position 4482, G replaced by A.
Molecular consequence: intron variant.
Genome position (GRCh38, 1-based): chr1:99,921,516, G>A. VCF-style: chr1-99921516-G-A. GRCh37 (hg19) VCF-style: chr1-100387072-G-A.
Other names: c.4461-18G>A (NM_001425326.1); c.4281-18G>A (NM_001425327.1); c.4278-18G>A (NM_001425328.1); c.4143-18G>A (NM_001425329.1); c.4104-18G>A (NM_001425332.1); c.4482-18G>A (NM_001425325.1, NM_000028.3, NM_000643.3 and 1 more transcripts); c.4434-18G>A (NM_000646.3).
Identifiers: ClinVar variation 383488 (VCV000383488.9), dbSNP rs1057521645, ClinGen allele CA16603812.
Genomic context (GRCh38, chr1:99,921,516, plus strand): 5'-CAAAAATCACCAGGTCTTGCCTATTTTGTTAATATGAATTAAATTATGTCTTTGTAAAAT[G>A]TCTTTTCTTTCATTCAGATCCCCTTGGAAAGGACTTCCAGAACTGACCAATGAGAATGCC-3'

ClinVar aggregate classification (germline): Likely benign. Review status: criteria provided, multiple submitters, no conflicts (2 of 4 stars). 3 submissions from 3 submitters: Likely benign (3). Last evaluated 2025-11-26.

Conditions:
Glycogen storage disease type III (GSD3). Also called: FORBES DISEASE; Cori disease. Identifiers: Orphanet 366, MedGen C0017922, MONDO:0009291, OMIM 232400.

Allele frequency attached by ClinVar (database versions not stated): TOPMed below 0.00001; gnomAD exomes 0.00002.
gnomAD v4.1: 22 of 1,536,034 alleles (0.0014%); highest among the groups gnomAD compares: Non-Finnish European, 0.0019%; no homozygotes.

Submissions (3):

Labcorp Genetics (formerly Invitae), Labcorp
Classification: Likely benign for Glycogen storage disease type III. Last evaluated: 2025-11-26. Review status: criteria provided, single submitter. Criteria: Invitae Variant Classification Sherloc (09022015). Collection method: clinical testing. Allele origin: germline.

Genome-Nilou Lab
Classification: Likely benign for Glycogen storage disease type III. Last evaluated: 2023-04-11. Review status: criteria provided, single submitter. Criteria: ACMG Guidelines, 2015. Collection method: clinical testing. Allele origin: germline. Affected: no.

GeneDx
Classification: Likely benign. Last evaluated: 2016-09-12. Review status: criteria provided, single submitter. Criteria: GeneDx Variant Classification (06012015). Collection method: clinical testing. Allele origin: germline. Affected: yes.
Comment: This variant is considered likely benign or benign based on one or more of the following criteria: it is a conservative change, it occurs at a poorly conserved position in the protein, it is predicted to be benign by multiple in silico algorithms, and/or has population frequency not consistent with disease.